The following is an entry in ClinVar:

ClinVar aggregate classification (germline): Conflicting classifications of pathogenicity. Review status: criteria provided, conflicting classifications (1 of 4 stars). 3 submissions from 3 submitters: Uncertain significance (1); Likely benign (2). Last evaluated 2025-12-17.

Conditions:
Hereditary cancer-predisposing syndrome. Also called: Neoplastic Syndromes, Hereditary; Tumor predisposition; Hereditary Cancer Syndrome; Hereditary neoplastic syndrome. Identifiers: Orphanet 140162, MedGen C0027672, MeSH D009386, MONDO:0015356.
Tuberous sclerosis 2 (TSC2). Identifiers: Orphanet 805, MedGen C1860707, MONDO:0013199, OMIM 613254.
Tuberous sclerosis syndrome (TSC). Also called: Tuberous Sclerosis Complex; Tuberous sclerosis. Identifiers: Orphanet 805, MedGen C0041341, MONDO:0001734.

Allele frequency attached by ClinVar (database versions not stated): gnomAD exomes below 0.00001.
gnomAD v4.1: 4 of 1,551,316 alleles (0.00026%); highest among the groups gnomAD compares: South Asian, 0.0012%; no homozygotes.

Submissions (3):

Ambry Genetics
Classification: Uncertain significance for Hereditary cancer-predisposing syndrome. Last evaluated: 2025-12-17. Review status: criteria provided, single submitter. Criteria: Ambry Variant Classification Scheme 2023. Collection method: clinical testing. Allele origin: germline.
Comment: The c.775-3C>T intronic variant results from a C to T substitution 3 nucleotides upstream from coding exon 8 in the TSC2 gene. This nucleotide position is well conserved in available vertebrate species. In silico splice site analysis predicts that this alteration will not have any significant effect on splicing. Based on the available evidence, the clinical significance of this variant remains unclear.

Labcorp Genetics (formerly Invitae), Labcorp
Classification: Likely benign for Tuberous sclerosis 2. Last evaluated: 2025-08-18. Review status: criteria provided, single submitter. Criteria: Invitae Variant Classification Sherloc (09022015). Collection method: clinical testing. Allele origin: germline.

All of Us Research Program, National Institutes of Health
Classification: Likely benign for Tuberous sclerosis syndrome. Last evaluated: 2023-03-09. Review status: criteria provided, single submitter. Criteria: ACMG Guidelines, 2015. Collection method: clinical testing. Allele origin: germline. Inheritance: Autosomal dominant inheritance. Observed: 1 variant allele, 1 heterozygote.
Comment: This study involves interpretation of variants in research participants for the purpose of population health screening. Participant phenotype was not available at the time of variant classification. Additional details can be found in publication PMID: 35346344, PMCID: PMC8962531

NM_000548.5(TSC2):c.775-3C>T

Gene: TSC2 (TSC complex subunit 2; plus strand). Cytogenetic location: 16p13.3.
Variant type: single nucleotide variant.
Coding change: c.775-3C>T on transcript NM_000548.5 (MANE Select); 3 bases into the intron before coding-DNA position 775, C replaced by T.
Molecular consequence: intron variant.
Genome position (GRCh38, 1-based): chr16:2,057,102, C>T. VCF-style: chr16-2057102-C-T. GRCh37 (hg19) VCF-style: chr16-2107103-C-T.
Other names: c.775-3C>T (NM_001114382.3, NM_021055.3, NM_001370405.1 and 4 more transcripts); c.664-3C>T (NM_001318827.2); c.175-3C>T (NM_001318831.2); c.628-3C>T (NM_001318829.2); c.808-3C>T (NM_001318832.2).
Identifiers: ClinVar variation 2061659 (VCV002061659.5), dbSNP rs397514909, ClinGen allele CA2580090587.